The following is an entry in ClinVar:

NM_001972.4(ELANE):c.488G>A (p.Arg163His)

Gene: ELANE (elastase, neutrophil expressed; plus strand). Cytogenetic location: 19p13.3.
Variant type: single nucleotide variant.
Coding change: c.488G>A on transcript NM_001972.4 (MANE Select); coding-DNA position 488, G replaced by A.
Protein change: p.Arg163His; replaces arginine 163 with histidine.
Molecular consequence: missense variant.
Genome position (GRCh38, 1-based): chr19:855,685, G>A. VCF-style: chr19-855685-G-A. GRCh37 (hg19) VCF-style: chr19-855685-G-A.
Other names: short protein forms R163H.
Identifiers: ClinVar variation 2923724 (VCV002923724.3), dbSNP rs1304833868, ClinGen allele CA402918332.

ClinVar aggregate classification (germline): Uncertain significance (1 of 4 stars; one submission).

Conditions:
Neutropenia, severe congenital, 1, autosomal dominant. Identifiers: MedGen C1859966, MONDO:0042490, OMIM 202700.
Cyclical neutropenia. Also called: Cyclic hematopoiesis; Cyclic Neutropenia. Identifiers: Orphanet 2686, MedGen C0221023, MONDO:0008090, OMIM 162800, HP:0040289. Disease mechanism: loss of function.

Allele frequency attached by ClinVar (database versions not stated): gnomAD 0.00001; TOPMed 0.00001.

Submission:

Labcorp Genetics (formerly Invitae), Labcorp
Classification: Uncertain significance for Neutropenia, severe congenital, 1, autosomal dominant; Cyclical neutropenia. Last evaluated: 2022-11-23. Review status: criteria provided, single submitter. Criteria: Invitae Variant Classification Sherloc (09022015). Collection method: clinical testing. Allele origin: germline.
Comment: This variant has not been reported in the literature in individuals affected with ELANE-related conditions. The frequency data for this variant in the population databases is considered unreliable, as metrics indicate poor data quality at this position in the gnomAD database. This sequence change replaces arginine, which is basic and polar, with histidine, which is basic and polar, at codon 163 of the ELANE protein (p.Arg163His). Advanced modeling of protein sequence and biophysical properties (such as structural, functional, and spatial information, amino acid conservation, physicochemical variation, residue mobility, and thermodynamic stability) has been performed at Invitae for this missense variant, however the output from this modeling did not meet the statistical confidence thresholds required to predict the impact of this variant on ELANE protein function. In summary, the available evidence is currently insufficient to determine the role of this variant in disease. Therefore, it has been classified as a Variant of Uncertain Significance.